The following is an entry in ClinVar:

NM_181882.3(PRX):c.542CTGCCC[1] (p.Pro183_Ala184del)

Gene: PRX (periaxin; minus strand). Cytogenetic location: 19q13.2.
Variant type: Microsatellite.
Coding change: c.542CTGCCC[1] on transcript NM_181882.3 (MANE Select); one copy of the 6-base unit CTGCCC starting at c.542; the reference has two copies in a row; one copy, 6 bases deleted.
Protein change: p.Pro183_Ala184del.
Molecular consequence: 3 prime UTR variant (on NM_020956.2).
Genome position (GRCh38, 1-based): chr19:40,397,799-40,397,804, GGGCAG deleted on the plus strand (CTGCCC on the coding strand, the reverse complement: PRX is on the minus strand); deleting any 6 consecutive bases within chr19:40,397,799-40,397,810 gives the same sequence; the position shown is the placement nearest the transcript's 3' end. VCF-style (leftmost placement, unchanged base first): chr19-40397798-CGGGCAG-C. GRCh37 (hg19) VCF-style: chr19-40903705-CGGGCAG-C.
Other names: c.827CTGCCC[1], p.Pro278_Ala279del (NM_001411127.1); c.*747CTGCCC[1] (NM_020956.2); c.548_553delCTGCCC (NM_181882.3).
Identifiers: ClinVar variation 3768157 (VCV003768157.1).

ClinVar aggregate classification (germline): Uncertain significance (1 of 4 stars; one submission).

Submission:

Women's Health and Genetics/Laboratory Corporation of America, LabCorp
Classification: Uncertain significance. Last evaluated: 2024-12-10. Review status: criteria provided, single submitter. Criteria: LabCorp Variant Classification Summary - May 2015. Collection method: clinical testing. Allele origin: germline.
Comment: Variant summary: PRX c.548_553delCTGCCC (p.Pro183_Ala184del) results in an in-frame deletion that is predicted to remove two amino acids from the encoded protein. The variant was absent in 183578 control chromosomes. The available data on variant occurrences in the general population are insufficient to allow any conclusion about variant significance. To our knowledge, no occurrence of c.548_553delCTGCCC in individuals affected with Charcot-Marie-Tooth disease type 4F and no experimental evidence demonstrating its impact on protein function have been reported. No submitters have cited clinical-significance assessments for this variant to ClinVar. Based on the evidence outlined above, the variant was classified as uncertain significance.